The following is an entry in ClinVar:

ClinVar aggregate classification (germline): Uncertain significance. Review status: criteria provided, multiple submitters, no conflicts (2 of 4 stars). 2 submissions from 2 submitters: Uncertain significance (2). Last evaluated 2020-05-26.

Conditions:
Hereditary cancer-predisposing syndrome. Also called: Tumor predisposition; Hereditary Cancer Syndrome; Neoplastic Syndromes, Hereditary; Hereditary neoplastic syndrome. Identifiers: Orphanet 140162, MedGen C0027672, MeSH D009386, MONDO:0015356.

Submissions (2):

Color Diagnostics, LLC DBA Color Health
Classification: Uncertain significance for Hereditary cancer-predisposing syndrome. Last evaluated: 2020-05-26. Review status: criteria provided, single submitter. Criteria: ACMG Guidelines, 2015. Collection method: clinical testing. Allele origin: germline.
Comment: This missense variant replaces glutamine with arginine at codon 3262 of the BRCA2 protein. Computational prediction suggests that this variant may not impact protein structure and function (internally defined REVEL score threshold <= 0.5, PMID: 27666373). To our knowledge, functional studies have not been reported for this variant. This variant has not been reported in individuals affected with hereditary cancer in the literature. This variant has not been identified in the general population by the Genome Aggregation Database (gnomAD). The available evidence is insufficient to determine the role of this variant in disease conclusively. Therefore, this variant is classified as a Variant of Uncertain Significance.

Ambry Genetics
Classification: Uncertain significance for Hereditary cancer-predisposing syndrome. Last evaluated: 2019-07-03. Review status: criteria provided, single submitter. Criteria: Ambry Variant Classification Scheme 2023. Collection method: clinical testing. Allele origin: germline.
Comment: The p.Q3262R variant (also known as c.9785A>G), located in coding exon 26 of the BRCA2 gene, results from an A to G substitution at nucleotide position 9785. The glutamine at codon 3262 is replaced by arginine, an amino acid with highly similar properties. This amino acid position is not well conserved in available vertebrate species. In addition, this alteration is predicted to be tolerated by in silico analysis. Since supporting evidence is limited at this time, the clinical significance of this alteration remains unclear.

NM_000059.4(BRCA2):c.9785A>G (p.Gln3262Arg)

Gene: BRCA2 (BRCA2 DNA repair associated; plus strand). Cytogenetic location: 13q13.1.
Variant type: single nucleotide variant.
Coding change: c.9785A>G on transcript NM_000059.4 (MANE Select); coding-DNA position 9785, A replaced by G.
Protein change: p.Gln3262Arg; replaces glutamine 3262 with arginine.
Molecular consequence: missense variant.
Genome position (GRCh38, 1-based): chr13:32,398,298, A>G. VCF-style: chr13-32398298-A-G. GRCh37 (hg19) VCF-style: chr13-32972435-A-G.
Other names: short protein forms Q3262R.
Identifiers: ClinVar variation 823474 (VCV000823474.6), dbSNP rs1566261012, ClinGen allele CA387765950.